The following is an entry in ClinVar:

ClinVar aggregate classification (germline): Uncertain significance (1 of 4 stars; one submission).

Conditions:
Schuurs-Hoeijmakers syndrome. Also called: PACS1-Related Neurodevelopmental Disorder. Identifiers: Orphanet 329224, MedGen C3554343, MONDO:0014006, OMIM 615009.

Allele frequency attached by ClinVar (database versions not stated): gnomAD 0.00001; ExAC 0.00001; ESP Exome Variant Server 0.00008; gnomAD exomes 0.00001; TOPMed 0.00001.
gnomAD v4.1: 10 of 1,613,308 alleles (0.00062%); highest among the groups gnomAD compares: Non-Finnish European, 0.00076%; no homozygotes.

Submission:

Labcorp Genetics (formerly Invitae), Labcorp
Classification: Uncertain significance for Schuurs-Hoeijmakers syndrome. Last evaluated: 2023-08-20. Review status: criteria provided, single submitter. Criteria: Invitae Variant Classification Sherloc (09022015). Collection method: clinical testing. Allele origin: germline.
Comment: Advanced modeling of protein sequence and biophysical properties (such as structural, functional, and spatial information, amino acid conservation, physicochemical variation, residue mobility, and thermodynamic stability) performed at Invitae indicates that this missense variant is expected to disrupt PACS1 protein function. In summary, the available evidence is currently insufficient to determine the role of this variant in disease. Therefore, it has been classified as a Variant of Uncertain Significance. This variant has not been reported in the literature in individuals affected with PACS1-related conditions. This variant is present in population databases (rs138134301, gnomAD 0.0009%). This sequence change replaces serine, which is neutral and polar, with proline, which is neutral and non-polar, at codon 801 of the PACS1 protein (p.Ser801Pro).

NM_018026.4(PACS1):c.2401T>C (p.Ser801Pro)

Gene: PACS1 (phosphofurin acidic cluster sorting protein 1; plus strand). Cytogenetic location: 11q13.2.
Variant type: single nucleotide variant.
Coding change: c.2401T>C on transcript NM_018026.4 (MANE Select); coding-DNA position 2401, T replaced by C.
Protein change: p.Ser801Pro; replaces serine 801 with proline.
Molecular consequence: missense variant.
Genome position (GRCh38, 1-based): chr11:66,239,249, T>C. VCF-style: chr11-66239249-T-C. GRCh37 (hg19) VCF-style: chr11-66006720-T-C.
Other names: short protein forms S801P.
Identifiers: ClinVar variation 2810609 (VCV002810609.3), dbSNP rs138134301, ClinGen allele CA6116867.